The following is an entry in ClinVar:

NM_201384.3(PLEC):c.7192C>T (p.Arg2398Cys)

Gene: PLEC (plectin; minus strand). Cytogenetic location: 8q24.3.
Variant type: single nucleotide variant.
Coding change: c.7192C>T on transcript NM_201384.3 (MANE Select); coding-DNA position 7192, C replaced by T.
Protein change: p.Arg2398Cys; replaces arginine 2398 with cysteine.
Molecular consequence: missense variant.
Genome position (GRCh38, 1-based): chr8:143,922,737, G>A on the plus strand (C>T on the coding strand, the complement: PLEC is on the minus strand). VCF-style: chr8-143922737-G-A. GRCh37 (hg19) VCF-style: chr8-144996905-G-A.
Other names: c.7273C>T, p.Arg2425Cys (NM_000445.5); c.7150C>T, p.Arg2384Cys (NM_201378.4); c.7126C>T, p.Arg2376Cys (NM_201379.3); c.7603C>T, p.Arg2535Cys (NM_201380.4); c.7096C>T, p.Arg2366Cys (NM_201381.3); c.7192C>T, p.Arg2398Cys (NM_201382.4); c.7204C>T, p.Arg2402Cys (NM_201383.3); c.7273C>T (NM_000445.3); short protein forms R2535C, R2402C, R2398C, R2425C, R2366C, R2376C, R2384C.
Identifiers: ClinVar variation 285988 (VCV000285988.14), dbSNP rs200880699, ClinGen allele CA4925735.

ClinVar aggregate classification (germline): Conflicting classifications of pathogenicity. Review status: criteria provided, conflicting classifications (1 of 4 stars). 4 submissions from 4 submitters: Uncertain significance (3); Likely benign (1). Last evaluated 2025-12-15.

Conditions:
PLEC-related disorder. Also called: PLEC-related condition; PLEC-related disorders.
Epidermolysis bullosa simplex 5C, with pyloric atresia (EBS5C). Also called: PLEC-Related Epidermolysis Bullosa with Pyloric Atresia; Epidermolysis bullosa simplex with pyloric atresia; PLEC1-Related Epidermolysis Bullosa with Pyloric Atresia. Identifiers: Orphanet 158684, MedGen C2677349, MONDO:0012807, OMIM 612138.
Epidermolysis bullosa simplex with nail dystrophy (EBS5D). Identifiers: MedGen C4225309, MONDO:0014661, OMIM 616487.
Autosomal recessive limb-girdle muscular dystrophy type 2Q (LGMDR17). Also called: MUSCULAR DYSTROPHY, LIMB-GIRDLE, AUTOSOMAL RECESSIVE 17. Identifiers: Orphanet 254361, MedGen C3150989, MONDO:0013390, OMIM 613723.
Epidermolysis bullosa simplex, Ogna type (EBS5A). Also called: Pidermolysis bullosa simplex 5A, Ogna type; EPIDERMOLYSIS BULLOSA SIMPLEX 5A, OGNA TYPE. Identifiers: Orphanet 79401, MedGen C0432317, MONDO:0007555, OMIM 131950.
Epidermolysis bullosa simplex 5B, with muscular dystrophy (EBS5B). Also called: EPIDERMOLYSIS BULLOSA SIMPLEX AND LIMB-GIRDLE MUSCULAR DYSTROPHY; Epidermolysis bullosa simplex with muscular dystrophy. Identifiers: Orphanet 257, MedGen C2931072, MONDO:0009181, OMIM 226670.
Inborn genetic diseases. Identifiers: MedGen C0950123, MeSH D030342.

Allele frequency attached by ClinVar (database versions not stated): gnomAD exomes 0.00007 and 0.00016; ExAC 0.00019; ESP Exome Variant Server 0.00024; gnomAD 0.00048 and 0.00049; TOPMed 0.00049; 1000 Genomes Project 0.00100; 1000 Genomes Project 30x 0.00109.
gnomAD v4.1: 177 of 1,610,920 alleles (0.011%); highest among the groups gnomAD compares: African/African-American, 0.16%; no homozygotes.

Submissions (4):

Labcorp Genetics (formerly Invitae), Labcorp
Classification: Uncertain significance for Autosomal recessive limb-girdle muscular dystrophy type 2Q; Epidermolysis bullosa simplex, Ogna type; Epidermolysis bullosa simplex with nail dystrophy; Epidermolysis bullosa simplex 5C, with pyloric atresia; Epidermolysis bullosa simplex 5B, with muscular dystrophy. Last evaluated: 2025-12-15. Review status: criteria provided, single submitter. Criteria: Invitae Variant Classification Sherloc (09022015). Collection method: clinical testing. Allele origin: germline.
Comment: This sequence change replaces arginine, which is basic and polar, with cysteine, which is neutral and slightly polar, at codon 2425 of the PLEC protein (p.Arg2425Cys). This variant is present in population databases (rs200880699, gnomAD 0.2%). This variant has not been reported in the literature in individuals affected with PLEC-related conditions. ClinVar contains an entry for this variant (Variation ID: 285988). Invitae Evidence Modeling of protein sequence and biophysical properties (such as structural, functional, and spatial information, amino acid conservation, physicochemical variation, residue mobility, and thermodynamic stability) indicates that this missense variant is not expected to disrupt PLEC protein function with a negative predictive value of 80%. In summary, the available evidence is currently insufficient to determine the role of this variant in disease. Therefore, it has been classified as a Variant of Uncertain Significance.

PreventionGenetics, part of Exact Sciences
Classification: Likely benign for PLEC-related condition. Last evaluated: 2025-02-26. Review status: criteria provided, single submitter. Criteria: ACMG Guidelines, 2015. Collection method: clinical testing. Allele origin: germline.
Comment: This variant is classified as likely benign based on ACMG/AMP sequence variant interpretation guidelines (Richards et al. 2015 PMID: 25741868, with internal and published modifications).

Ambry Genetics
Classification: Uncertain significance for Inborn genetic diseases. Last evaluated: 2024-03-31. Review status: criteria provided, single submitter. Criteria: Ambry Variant Classification Scheme 2023. Collection method: clinical testing. Allele origin: germline.

Eurofins Ntd Llc (ga)
Classification: Uncertain significance. Last evaluated: 2018-06-14. Review status: criteria provided, single submitter. Criteria: EGL ClinVar v180209 classification definitions. Collection method: clinical testing. Allele origin: germline. Observed: 5 variant alleles, 5 heterozygotes.